The following is an entry in ClinVar:

NM_000264.5(PTCH1):c.2824del (p.Arg942fs)

Gene: PTCH1 (patched 1; minus strand). Cytogenetic location: 9q22.32.
Variant type: Deletion.
Coding change: c.2824del on transcript NM_000264.5 (MANE Select); coding-DNA position 2824, one base deleted (C; older notation c.2824delC).
Protein change: p.Arg942fs; shifts the reading frame from arginine 942.
Molecular consequence: frameshift variant. On other transcripts: non-coding transcript variant (1).
Genome position (GRCh38, 1-based): chr9:95,459,663, G deleted on the plus strand (C on the coding strand, the reverse complement: PTCH1 is on the minus strand); the first of 2 consecutive G bases (chr9:95,459,663-95,459,664); deleting either gives the same sequence. VCF-style (leftmost placement, unchanged base first): chr9-95459662-CG-C. GRCh37 (hg19) VCF-style: chr9-98221944-CG-C.
Other names: c.2626del, p.Arg876fs (NM_001083602.3); c.2821del, p.Arg941fs (NM_001083603.3); c.2371del, p.Arg791fs (NM_001083604.3, NM_001083605.3, NM_001083606.3 and 1 more transcripts); c.2668del, p.Arg890fs (NM_001354918.2); short protein forms R941fs, R791fs, R876fs, R942fs, R890fs.
Identifiers: ClinVar variation 2136790 (VCV002136790.4), dbSNP rs2538078988, ClinGen allele CA1139654975.

ClinVar aggregate classification (germline): Pathogenic (1 of 4 stars; one submission).

Conditions:
Gorlin syndrome. Also called: Basal cell nevus syndrome; Nevoid Basal Cell Carcinoma Syndrome. Identifiers: Orphanet 377, MedGen C0004779, MONDO:0007187.

Submission:

Labcorp Genetics (formerly Invitae), Labcorp
Classification: Pathogenic for Gorlin syndrome. Last evaluated: 2022-04-20. Review status: criteria provided, single submitter. Criteria: Invitae Variant Classification Sherloc (09022015). Collection method: clinical testing. Allele origin: germline.
Comment: This premature translational stop signal has been observed in individual(s) with nevoid basal cell carcinoma syndrome (PMID: 19362041). This sequence change creates a premature translational stop signal (p.Arg942Glyfs*20) in the PTCH1 gene. It is expected to result in an absent or disrupted protein product. Loss-of-function variants in PTCH1 are known to be pathogenic (PMID: 16301862, 16419085). This variant is not present in population databases (gnomAD no frequency). For these reasons, this variant has been classified as Pathogenic.

Literature cited by the submitters: PubMed 19362041; PubMed 16301862; PubMed 16419085.